The following is an entry in ClinVar:

NM_138694.4(PKHD1):c.1967G>A (p.Trp656Ter)

Gene: PKHD1 (PKHD1 ciliary IPT domain containing fibrocystin/polyductin; minus strand). Cytogenetic location: 6p12.2.
Variant type: single nucleotide variant.
Coding change: c.1967G>A on transcript NM_138694.4 (MANE Select); coding-DNA position 1967, G replaced by A.
Protein change: p.Trp656Ter; replaces tryptophan 656 with a stop codon.
Molecular consequence: nonsense.
Genome position (GRCh38, 1-based): chr6:52,053,249, C>T on the plus strand (G>A on the coding strand, the complement: PKHD1 is on the minus strand). VCF-style: chr6-52053249-C-T. GRCh37 (hg19) VCF-style: chr6-51918047-C-T.
Other names: c.1967G>A, p.Trp656Ter (NM_170724.3); short protein forms W656*.
Identifiers: ClinVar variation 1390792 (VCV001390792.6), dbSNP rs2128203970, ClinGen allele CA364444608.

ClinVar aggregate classification (germline): Pathogenic (1 of 4 stars; one submission).

Conditions:
Autosomal recessive polycystic kidney disease (ARPKD). Also called: AR polycystic kidney disease. Identifiers: Orphanet 731, Orphanet 8378, MedGen C0085548, MeSH D017044, MONDO:0009889.

Submission:

Labcorp Genetics (formerly Invitae), Labcorp
Classification: Pathogenic for Autosomal recessive polycystic kidney disease. Last evaluated: 2022-11-22. Review status: criteria provided, single submitter. Criteria: Invitae Variant Classification Sherloc (09022015). Collection method: clinical testing. Allele origin: germline.
Comment: This sequence change creates a premature translational stop signal (p.Trp656*) in the PKHD1 gene. It is expected to result in an absent or disrupted protein product. Loss-of-function variants in PKHD1 are known to be pathogenic (PMID: 19940839). This variant is not present in population databases (gnomAD no frequency). This variant has not been reported in the literature in individuals affected with PKHD1-related conditions. ClinVar contains an entry for this variant (Variation ID: 1390792). Algorithms developed to predict the effect of sequence changes on RNA splicing suggest that this variant may create or strengthen a splice site. For these reasons, this variant has been classified as Pathogenic.

Literature cited by the submitters: PubMed 19940839.